The following is an entry in ClinVar:

ClinVar aggregate classification (germline): Uncertain significance (1 of 4 stars; one submission).

Submission:

GeneDx
Classification: Uncertain significance. Last evaluated: 2025-12-06. Review status: criteria provided, single submitter. Criteria: GeneDx Variant Classification Process June 2021. Collection method: clinical testing. Allele origin: germline. Affected: yes.
Comment: Not observed at significant frequency in large population cohorts (gnomAD); In silico analysis supports that this missense variant has a deleterious effect on protein structure/function; Has not been previously published as pathogenic or benign to our knowledge

NM_001375380.1(EBF3):c.878A>T (p.Gln293Leu)

Genes: EBF3 (EBF transcription factor 3; minus strand), EBF3-AS1 (EBF3 antisense RNA 1; plus strand). Cytogenetic location: 10q26.3.
Variant type: single nucleotide variant.
Coding change: c.878A>T on transcript NM_001375380.1 (MANE Select); coding-DNA position 878, A replaced by T.
Protein change: p.Gln293Leu; replaces glutamine 293 with leucine.
Molecular consequence: missense variant.
Genome position (GRCh38, 1-based): chr10:129,867,816, T>A on the plus strand (A>T on the coding strand, the complement: EBF3 is on the minus strand). VCF-style: chr10-129867816-T-A. GRCh37 (hg19) VCF-style: chr10-131666080-T-A.
Other names: c.851A>T, p.Gln284Leu (NM_001005463.3, NM_001375390.1, NM_001375392.1); c.878A>T, p.Gln293Leu (NM_001375379.1, NM_001375389.1, NM_001375391.1); short protein forms Q284L, Q293L.
Identifiers: ClinVar variation 1723580 (VCV001723580.3), dbSNP rs2493990853, ClinGen allele CA378725376.